The following is an entry in ClinVar:

NM_002439.5(MSH3):c.238-1G>A

Gene: MSH3 (mutS homolog 3; plus strand). Cytogenetic location: 5q14.1.
Variant type: single nucleotide variant.
Coding change: c.238-1G>A on transcript NM_002439.5 (MANE Select); the canonical splice acceptor site of the intron before coding-DNA position 238, G replaced by A.
Molecular consequence: splice acceptor variant.
Genome position (GRCh38, 1-based): chr5:80,656,410, G>A. VCF-style: chr5-80656410-G-A. GRCh37 (hg19) VCF-style: chr5-79952229-G-A.
Other names: c.238-1G>A (NM_002439.3).
Identifiers: ClinVar variation 942105 (VCV000942105.13), dbSNP rs1749285930, ClinGen allele CA360266081.
Genomic context (GRCh38, chr5:80,656,410, plus strand): 5'-ACATACGTCAGGCCTTCTCAGAGTAGAGATAACACATCATTTTCTAACCTTCCCGATATA[G>A]GCTACAGAAATTGACAGAAGAAAGAAGAGACCATTGGAAAATGATGGGCCTGTTAAAAAG-3'

ClinVar aggregate classification (germline): Likely pathogenic. Review status: criteria provided, multiple submitters, no conflicts (2 of 4 stars). 5 submissions from 5 submitters: Likely pathogenic (5). Last evaluated 2026-01-19.

Conditions:
Familial adenomatous polyposis 4 (FAP4). Also called: MSH3-related attenuated familial adenomatous polyposis. Identifiers: Orphanet 480536, MedGen C4310719, MONDO:0044300, OMIM 617100.
Hereditary cancer-predisposing syndrome. Also called: Tumor predisposition; Hereditary neoplastic syndrome; Hereditary Cancer Syndrome; Neoplastic Syndromes, Hereditary. Identifiers: Orphanet 140162, MedGen C0027672, MeSH D009386, MONDO:0015356.
Endometrial carcinoma. Also called: Endometrial carcinoma, somatic. Identifiers: MedGen C0476089, MONDO:0002447, OMIM 608089, HP:0012114.

Allele frequency attached by ClinVar (database versions not stated): gnomAD exomes below 0.00001.
gnomAD v4.1: 1 of 1,614,058 alleles (0.000062%); highest among the groups gnomAD compares: Non-Finnish European, 0.000085%; no homozygotes.

Submissions (5):

Labcorp Genetics (formerly Invitae), Labcorp
Classification: Likely pathogenic. Last evaluated: 2026-01-19. Review status: criteria provided, single submitter. Criteria: Invitae Variant Classification Sherloc (09022015). Collection method: clinical testing. Allele origin: germline.
Comment: This sequence change affects an acceptor splice site in intron 1 of the MSH3 gene. RNA analysis indicates that disruption of this splice site induces altered splicing and may result in an absent or altered protein product. This variant is not present in population databases (gnomAD no frequency). This variant has not been reported in the literature in individuals affected with MSH3-related conditions. ClinVar contains an entry for this variant (Variation ID: 942105). Studies have shown that disruption of this splice site results in activation of a cryptic splice site, and produces a non-functional protein and/or introduces a premature termination codon (internal data). In summary, the currently available evidence indicates that the variant is pathogenic, but additional data are needed to prove that conclusively. Therefore, this variant has been classified as Likely Pathogenic.

Ambry Genetics
Classification: Likely pathogenic for Hereditary cancer-predisposing syndrome. Last evaluated: 2025-12-17. Review status: criteria provided, single submitter. Criteria: Ambry Variant Classification Scheme 2023. Collection method: clinical testing. Allele origin: germline.
Comment: The c.238-1G>A intronic variant results from a G to A substitution one nucleotide before coding exon 2 of the MSH3 gene. This variant is considered to be rare based on population cohorts in the Genome Aggregation Database (gnomAD). This nucleotide position is highly conserved in available vertebrate species. In silico splice site analysis predicts that this alteration will weaken the native splice acceptor site and will result in the creation or strengthening of a novel splice acceptor site; however, direct evidence is insufficient at this time (Ambry internal data). Alterations that disrupt the canonical splice site are expected to cause aberrant splicing, resulting in an abnormal protein or a transcript that is subject to nonsense-mediated mRNA decay. As such, this alteration is classified as likely pathogenic.

Myriad Genetics, Inc.
Classification: Likely pathogenic for Familial adenomatous polyposis 4. Last evaluated: 2023-08-29. Review status: criteria provided, single submitter. Criteria: Myriad Autosomal Dominant, Autosomal Recessive and X-Linked Classification Criteria (2023). Collection method: clinical testing. Allele origin: unknown.
Comment: This variant is considered likely pathogenic. This variant occurs within a consensus splice junction and is predicted to result in abnormal mRNA splicing of either an out-of-frame exon or an in-frame exon necessary for protein stability and/or normal function.

Baylor Genetics
Classification: Likely pathogenic for Endometrial carcinoma. Last evaluated: 2023-08-20. Review status: criteria provided, single submitter. Criteria: ACMG Guidelines, 2015. Collection method: clinical testing. Allele origin: unknown.

Sema4
Classification: Likely pathogenic for Hereditary cancer-predisposing syndrome. Last evaluated: 2021-07-14. Review status: criteria provided, single submitter. Criteria: Sema4 Curation Guidelines. Collection method: curation. Allele origin: germline.
Comment: The MSH3 c.238-1G>A variant has not been reported in the literature to our knowledge. This variant is predicted to abolish the canonical splice site leading to an abnormal or absent protein. This variant is not reported in the Genome Aggregation Database (PMID: 32461654). This variant has been reported in ClinVar (Variation ID: 942105). Based on the current evidence available, this variant is interpreted as likely pathogenic.